The following is an entry in ClinVar:

ClinVar aggregate classification (germline): Uncertain significance. Review status: criteria provided, multiple submitters, no conflicts (2 of 4 stars). 5 submissions from 5 submitters: Uncertain significance (5). Last evaluated 2025-12-13.

Conditions:
Exudative vitreoretinopathy 4 (EVR4). Identifiers: Orphanet 891, MedGen C1866176, MONDO:0011151, OMIM 601813.
Osteoporosis with pseudoglioma (OPPG). Also called: osteoporosis-pseudoglioma syndrome. Identifiers: Orphanet 2788, MedGen C0432252, MONDO:0009820, OMIM 259770.
Bone mineral density quantitative trait locus 1 (BMND1). Identifiers: MedGen C1866079, OMIM 601884.
Worth disease. Also called: Autosomal dominant osteosclerosis, Worth type; ENDOSTEAL HYPEROSTOSIS, AUTOSOMAL DOMINANT; OSTEOSCLEROSIS, AUTOSOMAL DOMINANT. Identifiers: Orphanet 2790, MedGen C0432273, MONDO:0007764, OMIM 144750.
Polycystic liver disease 4 with or without kidney cysts. Identifiers: MedGen C4693479, MONDO:0044327, OMIM 617875.
Autosomal dominant osteopetrosis 1 (OPTA1). Also called: OSTEOPETROSIS, AUTOSOMAL DOMINANT, TYPE I. Identifiers: Orphanet 2783, MedGen C1843330, MONDO:0011877, OMIM 607634.
LRP5-related disorder. Also called: LRP5-related condition.

Allele frequency attached by ClinVar (database versions not stated): ExAC 0.00003; gnomAD exomes 0.00003 and 0.00014; gnomAD 0.00005; TOPMed 0.00005; ESP Exome Variant Server 0.00015.
gnomAD v4.1: 213 of 1,613,930 alleles (0.013%); highest among the groups gnomAD compares: Non-Finnish European, 0.018%; no homozygotes.

Submissions (5):

PreventionGenetics, part of Exact Sciences
Classification: Uncertain significance for LRP5-related condition. Last evaluated: 2025-12-13. Review status: criteria provided, single submitter. Criteria: ACMG Guidelines, 2015. Collection method: clinical testing. Allele origin: germline.
Comment: The LRP5 c.4517C>T variant is predicted to result in the amino acid substitution p.Thr1506Met. This variant has been reported in individuals with familial exudative vitreoretinopathy (Salvo et al. 2015. PubMed ID: 25711638; Li et al. 2018. PubMed ID: 30097784). This variant is reported in 0.0070% of alleles in individuals of European (Non-Finnish) descent in gnomAD. At this time, the clinical significance of this variant is uncertain due to the absence of conclusive functional and genetic evidence.

CeGaT Center for Human Genetics Tuebingen
Classification: Uncertain significance. Last evaluated: 2025-11-01. Review status: criteria provided, single submitter. Criteria: CeGaT Center For Human Genetics Tuebingen Variant Classification Criteria Version 2. Collection method: clinical testing. Allele origin: germline. Affected: yes. Observed: 1 variant allele.

Labcorp Genetics (formerly Invitae), Labcorp
Classification: Uncertain significance. Last evaluated: 2024-08-02. Review status: criteria provided, single submitter. Criteria: Invitae Variant Classification Sherloc (09022015). Collection method: clinical testing. Allele origin: germline.
Comment: This sequence change replaces threonine, which is neutral and polar, with methionine, which is neutral and non-polar, at codon 1506 of the LRP5 protein (p.Thr1506Met). This variant is present in population databases (rs371173423, gnomAD 0.006%). This missense change has been observed in individual(s) with familial exudative vitreoretinopathy (PMID: 25711638, 30452590). ClinVar contains an entry for this variant (Variation ID: 964485). Advanced modeling of protein sequence and biophysical properties (such as structural, functional, and spatial information, amino acid conservation, physicochemical variation, residue mobility, and thermodynamic stability) performed at Invitae indicates that this missense variant is not expected to disrupt LRP5 protein function with a negative predictive value of 95%. In summary, the available evidence is currently insufficient to determine the role of this variant in disease. Therefore, it has been classified as a Variant of Uncertain Significance.

Fulgent Genetics
Classification: Uncertain significance for Worth disease; Osteoporosis with pseudoglioma; Exudative vitreoretinopathy 4; Bone mineral density quantitative trait locus 1; Autosomal dominant osteopetrosis 1; Polycystic liver disease 4 with or without kidney cysts. Last evaluated: 2024-01-06. Review status: criteria provided, single submitter. Criteria: ACMG Guidelines, 2015. Collection method: clinical testing. Allele origin: germline.

Blueprint Genetics
Classification: Uncertain significance. Last evaluated: 2022-08-24. Review status: criteria provided, single submitter. Criteria: ACMG Guidelines, 2015. Collection method: clinical testing. Allele origin: germline.

Literature cited by the submitters: PubMed 25711638 (cited by Labcorp Genetics (formerly Invitae), Labcorp); PubMed 30452590 (cited by Labcorp Genetics (formerly Invitae), Labcorp).

NM_002335.4(LRP5):c.4517C>T (p.Thr1506Met)

Gene: LRP5 (LDL receptor related protein 5; plus strand). Cytogenetic location: 11q13.2.
Variant type: single nucleotide variant.
Coding change: c.4517C>T on transcript NM_002335.4 (MANE Select); coding-DNA position 4517, C replaced by T.
Protein change: p.Thr1506Met; replaces threonine 1506 with methionine.
Molecular consequence: missense variant.
Genome position (GRCh38, 1-based): chr11:68,446,464, C>T. VCF-style: chr11-68446464-C-T. GRCh37 (hg19) VCF-style: chr11-68213932-C-T.
Other names: c.2774C>T, p.Thr925Met (NM_001291902.2); short protein forms T1506M, T925M.
Identifiers: ClinVar variation 964485 (VCV000964485.20), dbSNP rs371173423, ClinGen allele CA6150418.